The following is an entry in ClinVar:

NM_003628.6(PKP4):c.2458A>G (p.Met820Val)

Genes: PKP4 (plakophilin 4; plus strand), PKP4-AS1 (PKP4 antisense RNA 1; minus strand). Cytogenetic location: 2q24.1.
Variant type: single nucleotide variant.
Coding change: c.2458A>G on transcript NM_003628.6 (MANE Select); coding-DNA position 2458, A replaced by G.
Protein change: p.Met820Val; replaces methionine 820 with valine.
Molecular consequence: missense variant.
Genome position (GRCh38, 1-based): chr2:158,663,326, A>G. VCF-style: chr2-158663326-A-G. GRCh37 (hg19) VCF-style: chr2-159519838-A-G.
Other names: c.2458A>G, p.Met820Val (NM_001005476.4, NM_001304971.2, NM_001377218.1 and 1 more transcripts); c.2455A>G, p.Met819Val (NM_001304969.3, NM_001377219.1, NM_001377220.1 and 2 more transcripts); c.1429A>G, p.Met477Val (NM_001304970.3); c.2452A>G, p.Met818Val (NM_001377222.1, NM_001377223.1); c.2449A>G, p.Met817Val (NM_001377224.1); short protein forms M819V, M477V, M818V, M817V, M820V.
Identifiers: ClinVar variation 2561561 (VCV002561561.4), dbSNP rs770868336, ClinGen allele CA348903114.

ClinVar aggregate classification (germline): Uncertain significance (1 of 4 stars; one submission).

gnomAD v4.1: 3 of 1,613,950 alleles (0.00019%); highest among the groups gnomAD compares: African/African-American, 0.0027%; no homozygotes.

Submission:

Ambry Genetics
Classification: Uncertain significance. Last evaluated: 2025-11-16. Review status: criteria provided, single submitter. Criteria: Ambry Variant Classification Scheme 2023. Collection method: clinical testing. Allele origin: germline.
Comment: The p.M820V variant (also known as c.2458A>G), located in coding exon 14 of the PKP4 gene, results from an A to G substitution at nucleotide position 2458. The methionine at codon 820 is replaced by valine, an amino acid with highly similar properties. This amino acid position is conserved. In addition, this alteration is predicted to be deleterious by in silico analysis. Since supporting evidence is limited at this time, the clinical significance of this alteration remains unclear.